The following is an entry in ClinVar:

NM_152722.5(HEPACAM):c.118G>A (p.Val40Met)

Gene: HEPACAM (hepatic and glial cell adhesion molecule; minus strand). Cytogenetic location: 11q24.2.
Variant type: single nucleotide variant.
Coding change: c.118G>A on transcript NM_152722.5 (MANE Select); coding-DNA position 118, G replaced by A.
Protein change: p.Val40Met; replaces valine 40 with methionine.
Molecular consequence: missense variant.
Genome position (GRCh38, 1-based): chr11:124,925,037, C>T on the plus strand (G>A on the coding strand, the complement: HEPACAM is on the minus strand). VCF-style: chr11-124925037-C-T. GRCh37 (hg19) VCF-style: chr11-124794933-C-T.
Other names: p.Val40Met; c.118G>A (NM_152722.4); c.118G>A, p.Val40Met (NM_001411043.1); short protein forms V40M.
Identifiers: ClinVar variation 2082620 (VCV002082620.8), dbSNP rs777817159, ClinGen allele CA6345812.

ClinVar aggregate classification (germline): Uncertain significance. Review status: criteria provided, multiple submitters, no conflicts (2 of 4 stars). 4 submissions from 4 submitters: Uncertain significance (4). Last evaluated 2025-09-26.

Conditions:
Inborn genetic diseases. Identifiers: MedGen C0950123, MeSH D030342.

Allele frequency attached by ClinVar (database versions not stated): gnomAD 0.00003; TOPMed 0.00003; gnomAD exomes 0.00007; ExAC 0.00026.
gnomAD v4.1: 117 of 1,601,720 alleles (0.0073%); highest among the groups gnomAD compares: Non-Finnish European, 0.0061%; no homozygotes.

Submissions (4):

Mayo Clinic Laboratories, Mayo Clinic
Classification: Uncertain significance. Last evaluated: 2025-09-26. Review status: criteria provided, single submitter. Criteria: ACMG Guidelines, 2015. Collection method: clinical testing. Allele origin: germline. Observed: 1 variant allele.
Comment: BP4_moderate

Labcorp Genetics (formerly Invitae), Labcorp
Classification: Uncertain significance. Last evaluated: 2025-03-30. Review status: criteria provided, single submitter. Criteria: Invitae Variant Classification Sherloc (09022015). Collection method: clinical testing. Allele origin: germline.
Comment: This sequence change replaces valine, which is neutral and non-polar, with methionine, which is neutral and non-polar, at codon 40 of the HEPACAM protein (p.Val40Met). This variant is present in population databases (rs777817159, gnomAD 0.03%). This variant has not been reported in the literature in individuals affected with HEPACAM-related conditions. ClinVar contains an entry for this variant (Variation ID: 2082620). Invitae Evidence Modeling of protein sequence and biophysical properties (such as structural, functional, and spatial information, amino acid conservation, physicochemical variation, residue mobility, and thermodynamic stability) indicates that this missense variant is not expected to disrupt HEPACAM protein function with a negative predictive value of 95%. In summary, the available evidence is currently insufficient to determine the role of this variant in disease. Therefore, it has been classified as a Variant of Uncertain Significance.

Blueprint Genetics
Classification: Uncertain significance. Last evaluated: 2024-03-04. Review status: criteria provided, single submitter. Criteria: ACMG Guidelines, 2015. Collection method: clinical testing. Allele origin: germline.

Ambry Genetics
Classification: Uncertain significance for Inborn genetic diseases. Last evaluated: 2023-03-24. Review status: criteria provided, single submitter. Criteria: Ambry Variant Classification Scheme 2023. Collection method: clinical testing. Allele origin: germline.